The following is an entry in ClinVar:

NM_000321.3(RB1):c.1084del (p.Asp363fs)

Gene: RB1 (RB transcriptional corepressor 1; plus strand). Cytogenetic location: 13q14.2.
Variant type: Deletion.
Coding change: c.1084del on transcript NM_000321.3 (MANE Select); coding-DNA position 1084, one base deleted (C; older notation c.1084delC).
Protein change: p.Asp363fs; shifts the reading frame from aspartic acid 363.
Molecular consequence: frameshift variant.
Genome position (GRCh38, 1-based): chr13:48,368,561, C deleted; the last of 2 consecutive C bases (chr13:48,368,560-48,368,561); deleting either gives the same sequence. VCF-style (leftmost placement, unchanged base first): chr13-48368559-AC-A. GRCh37 (hg19) VCF-style: chr13-48942695-AC-A.
Other names: c.1084del, p.Asp363fs (NM_001407165.1, NM_001407166.1); short protein forms D363fs.
Identifiers: ClinVar variation 4884444 (VCV004884444.1).

ClinVar aggregate classification (germline): Likely pathogenic (1 of 4 stars; one submission).

Conditions:
Retinoblastoma (RB1). Also called: RETINOBLASTOMA, SOMATIC. Identifiers: Orphanet 790, MedGen C0035335, MeSH D012175, MONDO:0008380, OMIM 180200, HP:0009919. Disease mechanism: loss of function. Inheritance: Both sporadic and heritable forms are tested..

Submission:

Diller/Parad Lab, Dana-Farber/Harvard Cancer Center
Classification: Likely pathogenic for Retinoblastoma. Last evaluated: 2026-05-29. Review status: criteria provided, single submitter. Criteria: ACMG Guidelines, 2015. Collection method: research. Allele origin: germline. Affected: yes.
Comment: It has been classified as Likely Pathogenic using Richards et al (PMID:25741868) based on the following evidence codes: PM2, PVS1.